The following is an entry in ClinVar:

NM_000238.4(KCNH2):c.2958C>T (p.Pro986=)

Gene: KCNH2 (potassium voltage-gated channel subfamily H member 2; minus strand). Cytogenetic location: 7q36.1.
Variant type: single nucleotide variant.
Coding change: c.2958C>T on transcript NM_000238.4 (MANE Select); coding-DNA position 2958, C replaced by T.
Protein change: p.Pro986=; no amino-acid change (proline 986 retained).
Molecular consequence: synonymous variant.
Genome position (GRCh38, 1-based): chr7:150,947,613, G>A on the plus strand (C>T on the coding strand, the complement: KCNH2 is on the minus strand). VCF-style: chr7-150947613-G-A. GRCh37 (hg19) VCF-style: chr7-150644701-G-A.
Other names: c.1938C>T, p.Pro646= (NM_172057.3).
Identifiers: ClinVar variation 1098125 (VCV001098125.15), dbSNP rs2116931525, ClinGen allele CA458870771.

ClinVar aggregate classification (germline): Likely benign. Review status: criteria provided, multiple submitters, no conflicts (2 of 4 stars). 4 submissions from 4 submitters: Likely benign (4). Last evaluated 2024-07-24.

Conditions:
Long QT syndrome (LQTS). Identifiers: MedGen C0023976, MeSH D008133, MONDO:0002442. Disease mechanism: loss of function. Inheritance: Various modes of inheritance.
Cardiovascular phenotype. Identifiers: MedGen CN230736.
Cardiac arrhythmia. Also called: Arrhythmia; Cardiac rhythm disease. Identifiers: MedGen C0003811, MONDO:0007263, HP:0011675.

Allele frequency attached by ClinVar (database versions not stated): gnomAD exomes below 0.00001.
gnomAD v4.1: 1 of 1,612,784 alleles (0.000062%); highest among the groups gnomAD compares: Non-Finnish European, 0.000085%; no homozygotes.

Submissions (4):

Ambry Genetics
Classification: Likely benign for Cardiovascular phenotype. Last evaluated: 2024-07-24. Review status: criteria provided, single submitter. Criteria: Ambry Variant Classification Scheme 2023. Collection method: clinical testing. Allele origin: germline.

All of Us Research Program, National Institutes of Health
Classification: Likely benign for Long QT syndrome. Last evaluated: 2023-12-01. Review status: criteria provided, single submitter. Criteria: ACMG Guidelines, 2015. Collection method: clinical testing. Allele origin: germline. Inheritance: Autosomal dominant inheritance. Observed: 2 variant alleles, 2 heterozygotes.
Comment: This study involves interpretation of variants in research participants for the purpose of population health screening. Participant phenotype was not available at the time of variant classification. Additional details can be found in publication PMID: 35346344, PMCID: PMC8962531

Color Diagnostics, LLC DBA Color Health
Classification: Likely benign for Cardiac arrhythmia. Last evaluated: 2020-07-27. Review status: criteria provided, single submitter. Criteria: ACMG Guidelines, 2015. Collection method: clinical testing. Allele origin: germline.

Labcorp Genetics (formerly Invitae), Labcorp
Classification: Likely benign for Long QT syndrome. Last evaluated: 2019-08-17. Review status: criteria provided, single submitter. Criteria: Invitae Variant Classification Sherloc (09022015). Collection method: clinical testing. Allele origin: germline.